The following is an entry in ClinVar:

NM_001077365.2(POMT1):c.58dup (p.Val20fs)

Gene: POMT1 (protein O-mannosyltransferase 1; plus strand). Cytogenetic location: 9q34.13.
Variant type: Duplication.
Coding change: c.58dup on transcript NM_001077365.2 (MANE Select); coding-DNA position 58, one base duplicated (G; older notation c.58dupG).
Protein change: p.Val20fs; shifts the reading frame from valine 20.
Molecular consequence: frameshift variant. On other transcripts: 5 prime UTR variant (4), non-coding transcript variant (4), intron variant (9).
Genome position (GRCh38, 1-based): chr9:131,504,276, G duplicated. VCF-style (leftmost placement, unchanged base first): chr9-131504275-T-TG. GRCh37 (hg19) VCF-style: chr9-134379662-T-TG.
Other names: c.58dup, p.Val20fs (NM_001136113.2, NM_001353193.2, NM_001353196.2 and 2 more transcripts); c.-187dup (NM_001353195.2); c.-414dup (NM_001353198.2); c.-136dup (NM_001374692.1); c.-94dup (NM_001374695.1); c.-41+963dup (NM_001353194.2); c.-72+963dup (NM_001374691.1); c.-41+1203dup (NM_001374689.1, NM_001353197.2, NM_001077366.2 and 1 more transcripts); and 2 more; short protein forms V20fs.
Identifiers: ClinVar variation 1364191 (VCV001364191.6), dbSNP rs2131554631, ClinGen allele CA2573144007.

ClinVar aggregate classification (germline): Pathogenic (1 of 4 stars; one submission).

Conditions:
Walker-Warburg congenital muscular dystrophy. Also called: Muscular dystrophy-dystroglycanopathy, type A; Walker-Warburg syndrome. Identifiers: Orphanet 899, MedGen C0265221, MONDO:0000171.
Autosomal recessive limb-girdle muscular dystrophy type 2K. Also called: MUSCULAR DYSTROPHY, LIMB-GIRDLE, TYPE 2K; MUSCULAR DYSTROPHY-DYSTROGLYCANOPATHY (LIMB-GIRDLE), TYPE C, 1. Identifiers: Orphanet 86812, MedGen C1836373, MONDO:0012248, OMIM 609308.
Muscular dystrophy-dystroglycanopathy (congenital with impaired intellectual development), type B, 1. Also called: MUSCULAR DYSTROPHY, CONGENITAL, POMT1-RELATED; Muscular dystrophy-dystroglycanopathy (congenital with intellectual disability), type B1. Identifiers: MedGen C5436962, MONDO:0013159, OMIM 613155.

Submission:

Labcorp Genetics (formerly Invitae), Labcorp
Classification: Pathogenic for Muscular dystrophy-dystroglycanopathy (congenital with impaired intellectual development), type B, 1; Walker-Warburg congenital muscular dystrophy; Autosomal recessive limb-girdle muscular dystrophy type 2K. Last evaluated: 2021-01-04. Review status: criteria provided, single submitter. Criteria: Invitae Variant Classification Sherloc (09022015). Collection method: clinical testing. Allele origin: germline.
Comment: For these reasons, this variant has been classified as Pathogenic. This variant has not been reported in the literature in individuals with POMT1-related conditions. This variant is not present in population databases (ExAC no frequency). This sequence change creates a premature translational stop signal (p.Val20Glyfs*24) in the POMT1 gene. It is expected to result in an absent or disrupted protein product. Loss-of-function variants in POMT1 are known to be pathogenic (PMID: 12369018, 15637732, 16575835).

Literature cited by the submitters: PubMed 12369018; PubMed 15637732; PubMed 16575835.